The following is an entry in ClinVar:

ClinVar aggregate classification (germline): Uncertain significance (1 of 4 stars; one submission).

Conditions:
Syndromic multisystem autoimmune disease due to ITCH deficiency. Also called: AUTOIMMUNE DISEASE, MULTISYSTEM, WITH FACIAL DYSMORPHISM. Identifiers: Orphanet 228426, MedGen C3150649, MONDO:0013245, OMIM 613385.

Allele frequency attached by ClinVar (database versions not stated): gnomAD exomes below 0.00001.
gnomAD v4.1: 2 of 1,613,974 alleles (0.00012%); highest among the groups gnomAD compares: Non-Finnish European, 0.00017%; no homozygotes.

Submission:

Labcorp Genetics (formerly Invitae), Labcorp
Classification: Uncertain significance for Syndromic multisystem autoimmune disease due to ITCH deficiency. Last evaluated: 2022-10-05. Review status: criteria provided, single submitter. Criteria: Invitae Variant Classification Sherloc (09022015). Collection method: clinical testing. Allele origin: germline.
Comment: In summary, the available evidence is currently insufficient to determine the role of this variant in disease. Therefore, it has been classified as a Variant of Uncertain Significance. Algorithms developed to predict the effect of missense changes on protein structure and function are either unavailable or do not agree on the potential impact of this missense change (SIFT: "Not Available"; PolyPhen-2: "Benign"; Align-GVGD: "Not Available"). This variant has not been reported in the literature in individuals affected with ITCH-related conditions. This variant is not present in population databases (gnomAD no frequency). This sequence change replaces asparagine, which is neutral and polar, with lysine, which is basic and polar, at codon 178 of the ITCH protein (p.Asn178Lys).

NM_031483.7(ITCH):c.534T>G (p.Asn178Lys)

Gene: ITCH (itchy E3 ubiquitin protein ligase; plus strand). Cytogenetic location: 20q11.22.
Variant type: single nucleotide variant.
Coding change: c.534T>G on transcript NM_031483.7 (MANE Select); coding-DNA position 534, T replaced by G.
Protein change: p.Asn178Lys; replaces asparagine 178 with lysine.
Molecular consequence: missense variant.
Genome position (GRCh38, 1-based): chr20:34,438,486, T>G. VCF-style: chr20-34438486-T-G. GRCh37 (hg19) VCF-style: chr20-33026291-T-G.
Other names: c.657T>G, p.Asn219Lys (NM_001257137.3, NM_001324197.2); c.204T>G, p.Asn68Lys (NM_001257138.3); c.534T>G, p.Asn178Lys (NM_001324198.2); short protein forms N68K, N219K, N178K.
Identifiers: ClinVar variation 1989480 (VCV001989480.2), dbSNP rs2515664767, ClinGen allele CA408662518.
Genomic context (GRCh38, chr20:34,438,486, plus strand): 5'-TATTCATTATTTCCCTCTCCCCCTTCCTTTTCCCCTCTTCTTACCCAGAGTGAGCACAAA[T>G]GGATCAGATGACCCTGAAGATGCAGGAGCTGGTGAAAATAGGAGAGTCAGTGGGAATAAT-3'
Protein context (NP_113671.3, residues 168-188): RSKDETRVST[Asn178Lys]GSDDPEDAGA